The following is an entry in ClinVar:

ClinVar aggregate classification (germline): Pathogenic (1 of 4 stars; one submission).

Submission:

Labcorp Genetics (formerly Invitae), Labcorp
Classification: Pathogenic. Last evaluated: 2024-02-12. Review status: criteria provided, single submitter. Criteria: Invitae Variant Classification Sherloc (09022015). Collection method: clinical testing. Allele origin: germline.
Comment: This sequence change creates a premature translational stop signal (p.Tyr314Thrfs*16) in the CNGB3 gene. It is expected to result in an absent or disrupted protein product. Loss-of-function variants in CNGB3 are known to be pathogenic (PMID: 28795510). This variant is not present in population databases (gnomAD no frequency). This variant has not been reported in the literature in individuals affected with CNGB3-related conditions. Algorithms developed to predict the effect of sequence changes on RNA splicing suggest that this variant may disrupt the consensus splice site. For these reasons, this variant has been classified as Pathogenic.

Literature cited by the submitters: PubMed 28795510.

NM_019098.5(CNGB3):c.939del (p.Tyr314fs)

Gene: CNGB3 (cyclic nucleotide gated channel subunit beta 3; minus strand). Cytogenetic location: 8q21.3.
Variant type: Deletion.
Coding change: c.939del on transcript NM_019098.5 (MANE Select); coding-DNA position 939, one base deleted (C; older notation c.939delC).
Protein change: p.Tyr314fs; shifts the reading frame from tyrosine 314.
Molecular consequence: frameshift variant.
Genome position (GRCh38, 1-based): chr8:86,647,852, G deleted on the plus strand (C on the coding strand, the reverse complement: CNGB3 is on the minus strand). VCF-style (leftmost placement, unchanged base first): chr8-86647851-AG-A. GRCh37 (hg19) VCF-style: chr8-87660079-AG-A.
Other names: short protein forms Y314fs.
Identifiers: ClinVar variation 3640338 (VCV003640338.2).